The following is an entry in ClinVar:

ClinVar aggregate classification (germline): Uncertain significance (1 of 4 stars; one submission).

Submission:

Dasa
Classification: Uncertain significance. Last evaluated: 2026-03-18. Review status: criteria provided, single submitter. Criteria: DASA Assertion Criteria. Collection method: clinical testing. Allele origin: germline.
Comment: NM_001145809.2(MYH14):c.5966_5967delinsA (p.Gly1989Aspfs*16) is a frameshift variant in MYH14 predicted to alter the reading frame and introduce a premature termination codon and is predicted to result in an absent or altered protein product. This variant is rare in population databases. The currently available literature and clinical evidence are not sufficient to establish a definitive association between this variant and the reported condition. Therefore, this variant is classified as a variant of uncertain significance.

NM_001145809.2(MYH14):c.5966_5967delinsA (p.Gly1989fs)

Gene: MYH14 (myosin heavy chain 14; plus strand). Cytogenetic location: 19q13.33.
Variant type: Indel.
Coding change: c.5966_5967delinsA on transcript NM_001145809.2 (MANE Select); coding-DNA positions 5966 to 5967, GC replaced by A.
Protein change: p.Gly1989fs; shifts the reading frame from glycine 1989.
Molecular consequence: frameshift variant.
Genome position (GRCh38, 1-based): chr19:50,309,645-50,309,646, GC replaced by A. VCF-style: chr19-50309645-GC-A. GRCh37 (hg19) VCF-style: chr19-50812902-GC-A.
Other names: c.5867_5868delinsA, p.Gly1956fs (NM_001077186.2); c.5843_5844delinsA, p.Gly1948fs (NM_024729.4); short protein forms G1948fs, G1956fs, G1989fs.
Identifiers: ClinVar variation 4883941 (VCV004883941.2).